The following is an entry in ClinVar:

NM_003803.4(MYOM1):c.1354C>G (p.Pro452Ala)

Gene: MYOM1 (myomesin 1; minus strand). Cytogenetic location: 18p11.31.
Variant type: single nucleotide variant.
Coding change: c.1354C>G on transcript NM_003803.4 (MANE Select); coding-DNA position 1354, C replaced by G.
Protein change: p.Pro452Ala; replaces proline 452 with alanine.
Molecular consequence: missense variant.
Genome position (GRCh38, 1-based): chr18:3,164,425, G>C on the plus strand (C>G on the coding strand, the complement: MYOM1 is on the minus strand). VCF-style: chr18-3164425-G-C. GRCh37 (hg19) VCF-style: chr18-3164423-G-C.
Other names: c.1354C>G, p.Pro452Ala (NM_019856.2); short protein forms P452A.
Identifiers: ClinVar variation 1023365 (VCV001023365.8), dbSNP rs2080440437, ClinGen allele CA401715056.

ClinVar aggregate classification (germline): Uncertain significance (1 of 4 stars; one submission).

Conditions:
Hypertrophic cardiomyopathy. Also called: HYPERTROPHIC MYOCARDIOPATHY. Identifiers: Orphanet 217569, MedGen C0007194, MeSH D002312, MONDO:0005045, HP:0001639.

Submission:

Labcorp Genetics (formerly Invitae), Labcorp
Classification: Uncertain significance for Hypertrophic cardiomyopathy. Last evaluated: 2020-05-31. Review status: criteria provided, single submitter. Criteria: Invitae Variant Classification Sherloc (09022015). Collection method: clinical testing. Allele origin: germline.
Comment: This variant is not present in population databases (ExAC no frequency). This sequence change replaces proline with alanine at codon 452 of the MYOM1 protein (p.Pro452Ala). The proline residue is highly conserved and there is a small physicochemical difference between proline and alanine. This variant has not been reported in the literature in individuals with MYOM1-related conditions. Algorithms developed to predict the effect of missense changes on protein structure and function are either unavailable or do not agree on the potential impact of this missense change (SIFT: "Deleterious"; PolyPhen-2: "Possibly Damaging"; Align-GVGD: "Class C0"). In summary, the available evidence is currently insufficient to determine the role of this variant in disease. Therefore, it has been classified as a Variant of Uncertain Significance.